The following is an entry in ClinVar:

ClinVar aggregate classification (germline): Benign (0 of 4 stars; one submission).

Conditions:
GNB1L-related disorder. Also called: GNB1L-related condition.

Allele frequency attached by ClinVar (database versions not stated): ExAC 0.00364; gnomAD 0.00398; 1000 Genomes Project 0.00419; TOPMed 0.00454; ESP Exome Variant Server 0.00500; 1000 Genomes Project 30x 0.00515; gnomAD exomes 0.00547.
gnomAD v4.1: 8,564 of 1,613,080 alleles (0.53%); highest among the groups gnomAD compares: Admixed American, 0.83%; 33 homozygotes.

Submission:

PreventionGenetics, part of Exact Sciences
Classification: Benign for GNB1L-related condition. Last evaluated: 2019-06-24. Review status: no assertion criteria provided. Collection method: clinical testing. Allele origin: germline.
Comment: This variant is classified as benign based on ACMG/AMP sequence variant interpretation guidelines (Richards et al. 2015 PMID: 25741868, with internal and published modifications).

NM_053004.3(GNB1L):c.208T>C (p.Cys70Arg)

Gene: GNB1L (G protein subunit beta 1 like; minus strand). Cytogenetic location: 22q11.21.
Variant type: single nucleotide variant.
Coding change: c.208T>C on transcript NM_053004.3 (MANE Select); coding-DNA position 208, T replaced by C.
Protein change: p.Cys70Arg; replaces cysteine 70 with arginine.
Molecular consequence: missense variant.
Genome position (GRCh38, 1-based): chr22:19,820,644, A>G on the plus strand (T>C on the coding strand, the complement: GNB1L is on the minus strand). VCF-style: chr22-19820644-A-G. GRCh37 (hg19) VCF-style: chr22-19808167-A-G.
Other names: short protein forms C70R.
Identifiers: ClinVar variation 3044503 (VCV003044503.2), dbSNP rs142592326, ClinGen allele CA10103248.
Genomic context (GRCh38, chr22:19,820,644, plus strand): 5'-CCTTGGAGACCCACCTGAGGAGCTGGCGCCCCTGGGGCAGCGTCTGCAGCCAGGTCACAC[A>G]CTGGCCGCCGTGGCCATCCAGGGTGGTAACCGCTCTCCGCGTCTGCAGGCTCCAGATGTG-3'
Protein context (NP_443730.1, residues 60-80): VTTLDGHGGQ[Cys70Arg]VTWLQTLPQG